The following is an entry in ClinVar:

ClinVar aggregate classification (germline): Uncertain significance (1 of 4 stars; one submission).

Allele frequency attached by ClinVar (database versions not stated): TOPMed below 0.00001.
gnomAD v4.1: 15 of 1,583,840 alleles (0.00095%); highest among the groups gnomAD compares: Non-Finnish European, 0.0012%; no homozygotes.

Submission:

Labcorp Genetics (formerly Invitae), Labcorp
Classification: Uncertain significance. Last evaluated: 2021-11-03. Review status: criteria provided, single submitter. Criteria: Invitae Variant Classification Sherloc (09022015). Collection method: clinical testing. Allele origin: germline.
Comment: This variant is not present in population databases (gnomAD no frequency). In summary, the available evidence is currently insufficient to determine the role of this variant in disease. Therefore, it has been classified as a Variant of Uncertain Significance. Algorithms developed to predict the effect of missense changes on protein structure and function (SIFT, PolyPhen-2, Align-GVGD) all suggest that this variant is likely to be tolerated. This variant has not been reported in the literature in individuals affected with ZNF513-related conditions. This sequence change replaces histidine, which is basic and polar, with asparagine, which is neutral and polar, at codon 8 of the ZNF513 protein (p.His8Asn).

NM_144631.6(ZNF513):c.22C>A (p.His8Asn)

Genes: ZNF513 (zinc finger protein 513; minus strand), LOC129933377 (ATAC-STARR-seq lymphoblastoid silent region 11297; plus strand). Cytogenetic location: 2p23.3.
Variant type: single nucleotide variant.
Coding change: c.22C>A on transcript NM_144631.6 (MANE Select); coding-DNA position 22, C replaced by A.
Protein change: p.His8Asn; replaces histidine 8 with asparagine.
Molecular consequence: missense variant.
Genome position (GRCh38, 1-based): chr2:27,380,505, G>T on the plus strand (C>A on the coding strand, the complement: ZNF513 is on the minus strand). VCF-style: chr2-27380505-G-T. GRCh37 (hg19) VCF-style: chr2-27603372-G-T.
Other names: short protein forms H8N.
Identifiers: ClinVar variation 1363366 (VCV001363366.6), dbSNP rs1319947173, ClinGen allele CA346220389.